The following is an entry in ClinVar:

ClinVar aggregate classification (germline): Pathogenic/Likely pathogenic. Review status: criteria provided, multiple submitters, no conflicts (2 of 4 stars). 3 submissions from 3 submitters: Pathogenic (1); Likely pathogenic (2). Last evaluated 2025-09-25.

Conditions:
Niemann-Pick disease, type C1. Also called: NIEMANN-PICK DISEASE, VARIANT TYPE C1; NEUROVISCERAL STORAGE DISEASE WITH VERTICAL SUPRANUCLEAR OPHTHALMOPLEGIA; NIEMANN-PICK DISEASE WITH CHOLESTEROL ESTERIFICATION BLOCK; NIEMANN-PICK DISEASE WITHOUT SPHINGOMYELINASE DEFICIENCY; NIEMANN-PICK DISEASE, CHRONIC NEURONOPATHIC FORM. Identifiers: Orphanet 646, MedGen C3179455, MONDO:0009757, OMIM 257220.

Submissions (3):

Human Genetics Bochum, Ruhr University Bochum
Classification: Likely pathogenic for Niemann-Pick disease, type C1. Last evaluated: 2025-09-25. Review status: criteria provided, single submitter. Criteria: ACMG Guidelines, 2015. Collection method: clinical testing. Allele origin: germline. Affected: yes.
Comment: in homozygous state; ACMG criteria used to clasify this variant: PM1, PM3, PP3_MOD, PM2_SUP, PP2

Institute of Human Genetics Munich, TUM University Hospital
Classification: Likely pathogenic for Niemann-Pick disease, type C1. Last evaluated: 2024-01-29. Review status: criteria provided, single submitter. Criteria: Classification criteria August 2017. Collection method: clinical testing. Allele origin: inherited. Inheritance: Autosomal recessive inheritance. Affected: yes. Observed: 1 variant allele.

Laboratory Genomica, Gynecology and Assisted Reproduction Hospital Malinov DM
Classification: Pathogenic for Niemann-Pick disease, type C1. Last evaluated: 2020-12-29. Review status: criteria provided, single submitter. Criteria: ACMG Guidelines, 2015. Collection method: clinical testing. Allele origin: germline. Inheritance: Autosomal recessive inheritance. Affected: yes. Observed: 1 variant allele, 1 homozygote.
Comment: The variant NPC1 (NM_000271.5): c.506A> T (p.Asn169Ile) is a single nucleotide substitution of an adenine with a thymine at position 21141449 of 18th chromosome. This sequence change replaces asparagine with isoleucine at codon 169 of the NPC1 protein (p.Asn169Ile) . The variant is listed in HGMD (CM162513) related to Niemann-Pick disease, type C (Reunert et al., 2016) and absent from large population studies (not listed in the dbSNP, gnomAD, NHLBI-ESP). NPC1 p.Asn169Ile has been observed in an individual affected with NPC1-related condition (PMID:2020358, Malinov's clinic), suggesting that it is a clinically significant missense variant. Algorithms developed to predict the effect of missense changes on protein structure and function (SIFT, PolyPhen-2) all suggest that this variant is likely to be disruptive. In summary, the NPC1 p.Asn169Ile variant meets our criteria to be classified as pathogenic.

Literature cited by the submitters: DOI 10.1016/j.ebiom.2015.12.018 (cited by Laboratory Genomica, Gynecology and Assisted Reproduction Hospital Malinov DM).

NM_000271.5(NPC1):c.506A>T (p.Asn169Ile)

Gene: NPC1 (NPC intracellular cholesterol transporter 1; minus strand). Cytogenetic location: 18q11.2.
Variant type: single nucleotide variant.
Coding change: c.506A>T on transcript NM_000271.5 (MANE Select); coding-DNA position 506, A replaced by T.
Protein change: p.Asn169Ile; replaces asparagine 169 with isoleucine.
Molecular consequence: missense variant.
Genome position (GRCh38, 1-based): chr18:23,561,485, T>A on the plus strand (A>T on the coding strand, the complement: NPC1 is on the minus strand). VCF-style: chr18-23561485-T-A. GRCh37 (hg19) VCF-style: chr18-21141449-T-A.
Other names: short protein forms N169I.
Identifiers: ClinVar variation 995858 (VCV000995858.7), dbSNP rs2059038310, ClinGen allele CA401782786.